The following is an entry in ClinVar:

NM_000516.7(GNAS):c.585+3G>A

Gene: GNAS (GNAS complex locus; plus strand). Cytogenetic location: 20q13.32.
Variant type: single nucleotide variant.
Coding change: c.585+3G>A on transcript NM_000516.7 (MANE Select); 3 bases into the intron after coding-DNA position 585, G replaced by A.
Molecular consequence: intron variant.
Genome position (GRCh38, 1-based): chr20:58,909,219, G>A. VCF-style: chr20-58909219-G-A. GRCh37 (hg19) VCF-style: chr20-57484274-G-A.
Other names: c.*491+3G>A (NM_016592.5); c.489+3G>A (NM_001410912.1); c.408+3G>A (NM_001309861.2, NM_001309840.2); c.*446+3G>A (NM_001077490.3); c.2514+3G>A (NM_080425.4); c.2469+3G>A (NM_001410913.1); c.588+3G>A (NM_001077488.5); c.543+3G>A (NM_080426.4); and 1 more.
Identifiers: ClinVar variation 3032296 (VCV003032296.4), dbSNP rs79863120, ClinGen allele CA9927151.

ClinVar aggregate classification (germline): Uncertain significance. Review status: criteria provided, single submitter (1 of 4 stars). 2 submissions from 2 submitters: Uncertain significance (1). 1 of the submissions does not count toward it. Last evaluated 2024-06-26.

Conditions:
GNAS-related disorder. Identifiers: MedGen CN380105.

Allele frequency attached by ClinVar (database versions not stated): ExAC 0.00002; gnomAD 0.00004; ESP Exome Variant Server 0.00008; 1000 Genomes Project 0.00040; 1000 Genomes Project 30x 0.00047.
gnomAD v4.1: 12 of 1,612,996 alleles (0.00074%); highest among the groups gnomAD compares: African/African-American, 0.011%; no homozygotes.

Submissions (2):

Labcorp Genetics (formerly Invitae), Labcorp
Classification: Uncertain significance. Last evaluated: 2024-06-26. Review status: criteria provided, single submitter. Criteria: Invitae Variant Classification Sherloc (09022015). Collection method: clinical testing. Allele origin: germline.
Comment: This sequence change falls in intron 7 of the GNAS gene. It does not directly change the encoded amino acid sequence of the GNAS protein. It affects a nucleotide within the consensus splice site. This variant is present in population databases (rs79863120, gnomAD 0.02%). This variant has not been reported in the literature in individuals affected with GNAS-related conditions. Variants that disrupt the consensus splice site are a relatively common cause of aberrant splicing (PMID: 17576681, 9536098). Algorithms developed to predict the effect of sequence changes on RNA splicing suggest that this variant is not likely to affect RNA splicing. In summary, the available evidence is currently insufficient to determine the role of this variant in disease. Therefore, it has been classified as a Variant of Uncertain Significance.

PreventionGenetics, part of Exact Sciences
Classification: Likely benign for GNAS-related condition. Last evaluated: 2021-01-19. Review status: no assertion criteria provided. Collection method: clinical testing. Allele origin: germline. Not counted in ClinVar's aggregate classification.
Comment: This variant is classified as likely benign based on ACMG/AMP sequence variant interpretation guidelines (Richards et al. 2015 PMID: 25741868, with internal and published modifications).

Literature cited by the submitters: PubMed 17576681 (cited by Labcorp Genetics (formerly Invitae), Labcorp); PubMed 9536098 (cited by Labcorp Genetics (formerly Invitae), Labcorp).